The following is an entry in ClinVar:

ClinVar aggregate classification (germline): Likely benign (1 of 4 stars; one submission).

Conditions:
Familial thoracic aortic aneurysm and aortic dissection (TAAD). Also called: Thoracic aortic aneurysms and dissections. Identifiers: Orphanet 91387, MedGen C4707243, MONDO:0019625.

Allele frequency attached by ClinVar (database versions not stated): gnomAD exomes below 0.00001; TOPMed below 0.00001; gnomAD 0.00001.
gnomAD v4.1: 5 of 1,614,008 alleles (0.00031%); highest among the groups gnomAD compares: Non-Finnish European, 0.00042%; no homozygotes.

Submission:

All of Us Research Program, National Institutes of Health
Classification: Likely benign for Familial thoracic aortic aneurysm and aortic dissection. Last evaluated: 2024-02-05. Review status: criteria provided, single submitter. Criteria: ACMG Guidelines, 2015. Collection method: clinical testing. Allele origin: germline. Inheritance: Autosomal dominant inheritance. Observed: 1 variant allele, 1 heterozygote.
Comment: This study involves interpretation of variants in research participants for the purpose of population health screening. Participant phenotype was not available at the time of variant classification. Additional details can be found in publication PMID: 35346344, PMCID: PMC8962531

NM_002474.3(MYH11):c.2337G>A (p.Glu779=)

Gene: MYH11 (myosin heavy chain 11; minus strand). Cytogenetic location: 16p13.11.
Variant type: single nucleotide variant.
Coding change: c.2337G>A on transcript NM_002474.3 (MANE Select); coding-DNA position 2337, G replaced by A.
Protein change: p.Glu779=; no amino-acid change (glutamic acid 779 retained).
Molecular consequence: synonymous variant.
Genome position (GRCh38, 1-based): chr16:15,747,644, C>T on the plus strand (G>A on the coding strand, the complement: MYH11 is on the minus strand). VCF-style: chr16-15747644-C-T. GRCh37 (hg19) VCF-style: chr16-15841501-C-T.
Other names: c.2337G>A, p.Glu779= (NM_022844.3); c.2358G>A, p.Glu786= (NM_001040114.2, NM_001040113.2).
Identifiers: ClinVar variation 3075423 (VCV003075423.1), dbSNP rs2041454667, ClinGen allele CA493792122.